The following is an entry in ClinVar:

ClinVar aggregate classification (germline): Uncertain significance (1 of 4 stars; one submission).

Conditions:
Primary ciliary dyskinesia 6. Also called: Primary Ciliary Dyskinesia 6: TXNDC3-Related Primary Ciliary Dyskinesia. Identifiers: Orphanet 244, MedGen C1970506, MONDO:0012571, OMIM 610852.

Submission:

Labcorp Genetics (formerly Invitae), Labcorp
Classification: Uncertain significance for Primary ciliary dyskinesia 6. Last evaluated: 2024-11-19. Review status: criteria provided, single submitter. Criteria: Invitae Variant Classification Sherloc (09022015). Collection method: clinical testing. Allele origin: germline.
Comment: This sequence change replaces isoleucine, which is neutral and non-polar, with methionine, which is neutral and non-polar, at codon 444 of the NME8 protein (p.Ile444Met). This variant is not present in population databases (gnomAD no frequency). This variant has not been reported in the literature in individuals affected with NME8-related conditions. Invitae Evidence Modeling of protein sequence and biophysical properties (such as structural, functional, and spatial information, amino acid conservation, physicochemical variation, residue mobility, and thermodynamic stability) indicates that this missense variant is not expected to disrupt NME8 protein function with a negative predictive value of 80%. In summary, the available evidence is currently insufficient to determine the role of this variant in disease. Therefore, it has been classified as a Variant of Uncertain Significance.

NM_016616.5(NME8):c.1332A>G (p.Ile444Met)

Gene: NME8 (NME/NM23 family member 8; plus strand). Cytogenetic location: 7p14.1.
Variant type: single nucleotide variant.
Coding change: c.1332A>G on transcript NM_016616.5 (MANE Select); coding-DNA position 1332, A replaced by G.
Protein change: p.Ile444Met; replaces isoleucine 444 with methionine.
Molecular consequence: missense variant.
Genome position (GRCh38, 1-based): chr7:37,888,361, A>G. VCF-style: chr7-37888361-A-G. GRCh37 (hg19) VCF-style: chr7-37927963-A-G.
Other names: short protein forms I444M.
Identifiers: ClinVar variation 3716870 (VCV003716870.2).
Genomic context (GRCh38, chr7:37,888,361, plus strand): 5'-CAGTTTGCCGGTCAACCAGTTGTATGGCAGCGATTCATTAGAAACCGCTGAAAGGGAAAT[A>G]CAGCATTTCTTTCCTCTTCAAAGCACTTTAGGCTTGATTAAACCTCATGCAACAAGTGAA-3'
Protein context (NP_057700.3, residues 434-454): SDSLETAERE[Ile444Met]QHFFPLQSTL